The following is an entry in ClinVar:

ClinVar aggregate classification (germline): Likely benign (1 of 4 stars; one submission).

Allele frequency attached by ClinVar (database versions not stated): gnomAD 0.00020.
gnomAD v4.1: 261 of 1,195,397 alleles (0.022%); highest among the groups gnomAD compares: Middle Eastern, 0.093%; no homozygotes.

Submission:

CeGaT Center for Human Genetics Tuebingen
Classification: Likely benign. Last evaluated: 2022-12-01. Review status: criteria provided, single submitter. Criteria: CeGaT Center For Human Genetics Tuebingen Variant Classification Criteria Version 2. Collection method: clinical testing. Allele origin: germline. Affected: yes. Observed: 1 variant allele.
Comment: PBDC1: BS2

NM_016500.5(PBDC1):c.65T>G (p.Leu22Arg)

Gene: PBDC1 (polysaccharide biosynthesis domain containing 1; plus strand). Cytogenetic location: Xq13.3.
Variant type: single nucleotide variant.
Coding change: c.65T>G on transcript NM_016500.5 (MANE Select); coding-DNA position 65, T replaced by G.
Protein change: p.Leu22Arg; replaces leucine 22 with arginine.
Molecular consequence: missense variant.
Genome position (GRCh38, 1-based): chrX:76,173,619, T>G. VCF-style: chrX-76173619-T-G. GRCh37 (hg19) VCF-style: chrX-75393454-T-G.
Other names: c.65T>G, p.Leu22Arg (NM_001300888.2); short protein forms L22R.
Identifiers: ClinVar variation 2660950 (VCV002660950.24), dbSNP rs200185307, ClinGen allele CA10456714.